The following is an entry in ClinVar:

ClinVar aggregate classification (germline): Uncertain significance (1 of 4 stars; one submission).

Submission:

Mayo Clinic Laboratories, Mayo Clinic
Classification: Uncertain significance. Last evaluated: 2025-01-06. Review status: criteria provided, single submitter. Criteria: ACMG Guidelines, 2015. Collection method: clinical testing. Allele origin: germline. Observed: 2 variant alleles.
Comment: PM1_supporting, PM2_supporting

Literature cited by the submitters: PubMed 32717757.

NM_000312.4(PROC):c.944T>C (p.Ile315Thr)

Gene: PROC (protein C, inactivator of coagulation factors Va and VIIIa; plus strand). Cytogenetic location: 2q14.3.
Variant type: single nucleotide variant.
Coding change: c.944T>C on transcript NM_000312.4 (MANE Select); coding-DNA position 944, T replaced by C.
Protein change: p.Ile315Thr; replaces isoleucine 315 with threonine.
Molecular consequence: missense variant.
Genome position (GRCh38, 1-based): chr2:127,428,504, T>C. VCF-style: chr2-127428504-T-C. GRCh37 (hg19) VCF-style: chr2-128186080-T-C.
Other names: p.Ile315Thr; c.1007T>C, p.Ile336Thr (NM_001375604.1); c.1046T>C, p.Ile349Thr (NM_001375605.1); c.1112T>C, p.Ile371Thr (NM_001375606.1); c.1130T>C, p.Ile377Thr (NM_001375607.1); c.887T>C, p.Ile296Thr (NM_001375608.1); c.920T>C, p.Ile307Thr (NM_001375609.1); c.938T>C, p.Ile313Thr (NM_001375610.1); and 3 more; short protein forms I296T, I307T, I313T, I315T, I336T, I349T, I370T, I371T.
Identifiers: ClinVar variation 3380835 (VCV003380835.2).